The following is an entry in ClinVar:

ClinVar aggregate classification (germline): Likely benign (1 of 4 stars; one submission).

Submission:

CeGaT Center for Human Genetics Tuebingen
Classification: Likely benign. Last evaluated: 2023-12-01. Review status: criteria provided, single submitter. Criteria: CeGaT Center For Human Genetics Tuebingen Variant Classification Criteria Version 2. Collection method: clinical testing. Allele origin: germline. Affected: yes. Observed: 1 variant allele.
Comment: ARID1B: PM2:Supporting, BP4, BP7

NM_001374828.1(ARID1B):c.1608C>A (p.Pro536=)

Gene: ARID1B (AT-rich interaction domain 1B; plus strand). Cytogenetic location: 6q25.3.
Variant type: single nucleotide variant.
Coding change: c.1608C>A on transcript NM_001374828.1 (MANE Select); coding-DNA position 1608, C replaced by A.
Protein change: p.Pro536=; no amino-acid change (proline 536 retained).
Molecular consequence: synonymous variant.
Genome position (GRCh38, 1-based): chr6:156,779,288, C>A. VCF-style: chr6-156779288-C-A. GRCh37 (hg19) VCF-style: chr6-157100422-C-A.
Other names: c.1359C>A, p.Pro453= (NM_001346813.1, NM_020732.3); c.1608C>A, p.Pro536= (NM_001371656.1, NM_001374820.1, NM_017519.3); c.1185C>A, p.Pro395= (NM_175863.2).
Identifiers: ClinVar variation 3026743 (VCV003026743.22), dbSNP rs1238453452, ClinGen allele CA452989678.